The following is an entry in ClinVar:

NM_004385.5(VCAN):c.9275G>C (p.Arg3092Pro)

Genes: VCAN (versican; plus strand), VCAN-AS1 (VCAN antisense RNA 1; minus strand). Cytogenetic location: 5q14.3.
Variant type: single nucleotide variant.
Coding change: c.9275G>C on transcript NM_004385.5 (MANE Select); coding-DNA position 9275, G replaced by C.
Protein change: p.Arg3092Pro; replaces arginine 3092 with proline.
Molecular consequence: missense variant.
Genome position (GRCh38, 1-based): chr5:83,545,546, G>C. VCF-style: chr5-83545546-G-C. GRCh37 (hg19) VCF-style: chr5-82841365-G-C.
Other names: c.1052G>C, p.Arg351Pro (NM_001126336.3); c.6314G>C, p.Arg2105Pro (NM_001164097.2); c.4013G>C, p.Arg1338Pro (NM_001164098.2); short protein forms R3092P, R1338P, R2105P, R351P.
Identifiers: ClinVar variation 354463 (VCV000354463.14), dbSNP rs528022086, ClinGen allele CA3333956.

ClinVar aggregate classification (germline): Benign/Likely benign. Review status: criteria provided, multiple submitters, no conflicts (2 of 4 stars). 3 submissions from 3 submitters: Benign (1); Likely benign (2). Last evaluated 2025-05-31.

Conditions:
Vitreoretinopathy. Also called: Vitreoretinal degeneration. Identifiers: MedGen C0344290, MONDO:0020248, HP:0007773.

Allele frequency attached by ClinVar (database versions not stated): gnomAD 0.00004 and 0.00005; TOPMed 0.00008; 1000 Genomes Project 0.00040; 1000 Genomes Project 30x 0.00047.
gnomAD v4.1: 40 of 1,613,980 alleles (0.0025%); highest among the groups gnomAD compares: East Asian, 0.087%; no homozygotes.

Submissions (3):

Labcorp Genetics (formerly Invitae), Labcorp
Classification: Likely benign. Last evaluated: 2025-05-31. Review status: criteria provided, single submitter. Criteria: Invitae Variant Classification Sherloc (09022015). Collection method: clinical testing. Allele origin: germline.

Blueprint Genetics
Classification: Likely benign. Last evaluated: 2023-02-02. Review status: criteria provided, single submitter. Criteria: ACMG Guidelines, 2015. Collection method: clinical testing. Allele origin: germline.

Illumina Laboratory Services, Illumina
Classification: Benign for Vitreoretinopathy. Last evaluated: 2018-01-12. Review status: criteria provided, single submitter. Criteria: ICSL Variant Classification Criteria 13 December 2019. Collection method: clinical testing. Allele origin: germline.
Comment: This variant was observed in the ICSL laboratory as part of a predisposition screen in an ostensibly healthy population. It had not been previously curated by ICSL or reported in the Human Gene Mutation Database (HGMD: prior to June 1st, 2018), and was therefore a candidate for classification through an automated scoring system. Utilizing variant allele frequency, disease prevalence and penetrance estimates, and inheritance mode, an automated score was calculated to assess if this variant is too frequent to cause the disease. Based on the score and internal cut-off values, a variant classified as benign is not then subjected to further curation. The score for this variant resulted in a classification of benign for this disease.